The following is an entry in ClinVar:

NM_000206.3(IL2RG):c.982C>T (p.Arg328Ter)

Gene: IL2RG (interleukin 2 receptor subunit gamma; minus strand). Cytogenetic location: Xq13.1.
Variant type: single nucleotide variant.
Coding change: c.982C>T on transcript NM_000206.3 (MANE Select); coding-DNA position 982, C replaced by T.
Protein change: p.Arg328Ter; replaces arginine 328 with a stop codon.
Molecular consequence: nonsense.
Genome position (GRCh38, 1-based): chrX:71,107,864, G>A on the plus strand (C>T on the coding strand, the complement: IL2RG is on the minus strand). VCF-style: chrX-71107864-G-A. GRCh37 (hg19) VCF-style: chrX-70327714-G-A.
Other names: NM_000206.3(IL2RG):c.982C>T; short protein forms R328*.
Identifiers: ClinVar variation 418656 (VCV000418656.14), dbSNP rs1064793347, ClinGen allele CA16621482.

ClinVar aggregate classification (germline): Pathogenic. Review status: reviewed by expert panel (3 of 4 stars). 7 submissions from 7 submitters: Pathogenic (1). 6 of the submissions do not count toward it. Last evaluated 2024-06-13.

Conditions:
Combined immunodeficiency, X-linked (CIDX). Also called: IMMUNODEFICIENCY 6. Identifiers: MedGen C6022467, MONDO:0010730, OMIM 312863.
X-linked severe combined immunodeficiency (SCIDX1). Also called: T-B+ severe combined immunodeficiency due to gamma chain deficiency; IMMUNODEFICIENCY 4; X-Linked Combined Immunodeficiency Diseases; SCID, X-LINKED; SEVERE COMBINED IMMUNODEFICIENCY, X-LINKED, T CELL-NEGATIVE, B CELL-POSITIVE, NK CELL-NEGATIVE. Identifiers: Orphanet 276, MedGen C6022468, MONDO:0010315, OMIM 300400. Disease mechanism: loss of function.

Submissions (7):

ClinGen Severe Combined Immunodeficiency Variant Curation Expert Panel, ClinGen
Classification: Pathogenic for X-linked severe combined immunodeficiency. Last evaluated: 2024-06-13. Review status: reviewed by expert panel. Criteria: ClinGen SCID ACMG Specifications IL2RG V1.0.0. Collection method: curation. Allele origin: germline. Inheritance: X-linked inheritance.
Comment: The c.982C>T (p.Arg328Ter) variant in IL2RG is a nonsense variant located in the last exon (8/8). Although it is not predicted to cause nonsense-mediated decay, as it is located in a critical region for protein function, PVS1 is still applied at default strength (PVS1). This variant is absent from gnomAD v4 (PM2_Supporting). At least one proband in the literature presents: Diagnostic criteria for SCID/Leaky SCID/Omenn syndrome met (0.5 pts) + SCID gene panel or exome (1pt) + XY male sex (0.5 pts), total is 2 points, PP4_Moderate (PMID: 31799703). In summary, this variant meets the criteria to be classified as Pathogenic for X-linked T-B+ severe combined immunodeficiency due to gamma chain deficiency based on the ACMG/AMP criteria applied, as specified by the ClinGen SCID VCEP: PVS1, PM2_Supporting, and PP4_Moderate (VCEP specifications version 1).

Labcorp Genetics (formerly Invitae), Labcorp
Classification: Pathogenic for X-linked severe combined immunodeficiency. Last evaluated: 2025-06-10. Review status: criteria provided, single submitter. Criteria: Invitae Variant Classification Sherloc (09022015). Collection method: clinical testing. Allele origin: germline. Not counted in ClinVar's aggregate classification.
Comment: This sequence change creates a premature translational stop signal (p.Arg328*) in the IL2RG gene. While this is not anticipated to result in nonsense mediated decay, it is expected to disrupt the last 42 amino acid(s) of the IL2RG protein. This variant is not present in population databases (gnomAD no frequency). This premature translational stop signal has been observed in individuals with severe combined immunodeficiency (SCID), atypical SCID, or other immunodeficiency phenotypes (PMID: 28747913, 30622570, 30778380, 31799703, 32499645). ClinVar contains an entry for this variant (Variation ID: 418656). Algorithms developed to predict the effect of variants on gene product structure and function are not available or were not evaluated for this variant. Experimental studies have shown that this premature translational stop signal affects IL2RG function (PMID: 31799703). Algorithms developed to predict the effect of sequence changes on RNA splicing suggest that this variant may disrupt the consensus splice site. This variant disrupts the C-terminus of the IL2RG protein. Other variant(s) that disrupt this region (p.Leu329Argfs*3) have been observed in individuals with IL2RG-related conditions (PMID: 10794430). This suggests that this may be a clinically significant region of the protein. For these reasons, this variant has been classified as Pathogenic.

GeneDx
Classification: Pathogenic. Last evaluated: 2025-02-14. Review status: criteria provided, single submitter. Criteria: GeneDx Variant Classification Process June 2021. Collection method: clinical testing. Allele origin: germline. Affected: yes. Not counted in ClinVar's aggregate classification.
Comment: Published functional studies demonstrate a damaging effect on protein function, with impaired binding of JAK3 to the common gamma chain (PMID: 31799703); Not observed at significant frequency in large population cohorts (gnomAD); Nonsense variant predicted to result in protein truncation as the last 42 amino acids are lost; This variant is associated with the following publications: (PMID: 25618583, 28747913, 34134972, 32581362, 32888943, 32499645, 35503492, 35753512, 35874699, 32531373, 30778380, 30622570, 31799703)

Laboratory of Hereditary Immune Disorders, Research Centre for Medical Genetics
Classification: Pathogenic for Combined immunodeficiency, X-linked. Last evaluated: 2023-12-02. Review status: criteria provided, single submitter. Criteria: ACMG Guidelines, 2015. Collection method: clinical testing. Allele origin: de novo. Inheritance: X-linked recessive inheritance. Affected: yes. Observed: 1 hemizygote. Not counted in ClinVar's aggregate classification.
Comment: It occurred de novo. This variant has been previously reported in the literature multiple times (PMIDs: 28747913, 31799703, 30622570) and is not listed in gnomAD v2.1.1. The affected amino acid position is evolutionarily conserved, and multiple in silico prediction tools support a deleterious effect. Furthermore, functional studies have demonstrated a damaging impact on gene function (PMID: 31799703). Taken together, the variant meets the following ACMG/AMP criteria and can be classified as pathogenic with PM2, PP3, PVS1, PS2, PS3, PP5, PP4 criteria.

Foundation for Research in Genetics and Endocrinology, FRIGE's Institute of Human Genetics
Classification: Pathogenic for Combined immunodeficiency, X-linked. Last evaluated: 2020-03-06. Review status: criteria provided, single submitter. Criteria: ACMG Guidelines, 2015. Collection method: clinical testing. Allele origin: germline. Inheritance: X-linked recessive inheritance. Affected: yes. Observed: 1 hemizygote. Not counted in ClinVar's aggregate classification.
Comment: A hemizygous nonsense variation in exon 8 of the IL2RG gene that results in a stop codon and premature truncation of the protein at codon 328 was detected. The observed variant c.982C>T (p.Arg328Ter) has previously been reported in a patient affected with severe combined immunodeficiency (Luk ADW. et al., 2017). The variant has not been reported in the 1000 genomes and ExAC databases. The in silico prediction of the variant is damaging by MutationTaster2. The reference codon is conserved across mammals. In summary, the variant meets our criteria to be classified as pathogenic.

Women's Health and Genetics/Laboratory Corporation of America, LabCorp
Classification: Likely pathogenic for X-linked severe combined immunodeficiency. Last evaluated: 2016-08-19. Review status: criteria provided, single submitter. Criteria: LabCorp Variant Classification Summary - May 2015. Collection method: clinical testing. Allele origin: germline. Not counted in ClinVar's aggregate classification.
Comment: Variant summary: The IL2RG c.982C>T (p.Arg328X) variant results in a premature termination codon, predicted to cause a truncated or absent IL2RG protein due to nonsense mediated decay, which are commonly known mechanisms for disease. One in silico tool predicts a damaging outcome for this variant. This variant is absent in 80559 control chromosomes. This variant has been reported in two brothers with a late-onset and atypical presentation of the disease via a conference abstract. The variant of interest has not, to our knowledge, been reported in affected individuals via publications and/or reputable databases/clinical diagnostic laboratories; nor evaluated for functional impact by in vivo/vitro studies. Taken together, this variant is classified as likely pathogenic until more information becomes available.

GeneReviews
No classification provided. Condition: X-linked severe combined immunodeficiency. Review status: no classification provided. Collection method: literature only. Allele origin: germline. Not counted in ClinVar's aggregate classification.
Comment: Observed in 2 brothers with atypical X-SCID

Literature cited by the submitters: PubMed 28747913 (cited by Labcorp Genetics (formerly Invitae), Labcorp); PubMed 30622570 (cited by Labcorp Genetics (formerly Invitae), Labcorp); PubMed 30778380 (cited by Labcorp Genetics (formerly Invitae), Labcorp); PubMed 31799703 (cited by Labcorp Genetics (formerly Invitae), Labcorp and GeneReviews); PubMed 32499645 (cited by Labcorp Genetics (formerly Invitae), Labcorp); PubMed 10794430 (cited by Labcorp Genetics (formerly Invitae), Labcorp); PubMed 38578360 (cited by Laboratory of Hereditary Immune Disorders, Research Centre for Medical Genetics); PubMed 20301584 (cited by GeneReviews).